The following is an entry in ClinVar:

ClinVar aggregate classification (germline): Pathogenic (1 of 4 stars; one submission).

Conditions:
Hypohidrotic X-linked ectodermal dysplasia (XHED). Also called: ECTODERMAL DYSPLASIA 1; ECTODERMAL DYSPLASIA 1, HYPOHIDROTIC, X-LINKED; ECTODERMAL DYSPLASIA 1, HYPOHIDROTIC/HAIR/TOOTH TYPE, X-LINKED; Christ-Siemans-Touraine syndrome; Anhidrotic ectodermal dysplasia X-linked; Christ Siemens Touraine syndrome. Identifiers: Orphanet 181, Orphanet 238468, MedGen C0162359, MONDO:0010585, OMIM 305100.

Submission:

Labcorp Genetics (formerly Invitae), Labcorp
Classification: Pathogenic for Hypohidrotic X-linked ectodermal dysplasia. Last evaluated: 2020-10-14. Review status: criteria provided, single submitter. Criteria: Invitae Variant Classification Sherloc (09022015). Collection method: clinical testing. Allele origin: germline.
Comment: For these reasons, this variant has been classified as Pathogenic. Disruption of the initiator codon has been observed in individual(s) with ectodermal dysplasia (PMID: 24330993, 18076698, 20979233, 11378824). This variant is not present in population databases (ExAC no frequency). This sequence change affects the initiator methionine of the EDA mRNA. The next in-frame methionine is located at codon 133.

Literature cited by the submitters: PubMed 24330993; PubMed 18076698; PubMed 20979233; PubMed 11378824.

NM_001399.5(EDA):c.1A>G (p.Met1Val)

Gene: EDA (ectodysplasin A; plus strand). Cytogenetic location: Xq13.1.
Variant type: single nucleotide variant.
Coding change: c.1A>G on transcript NM_001399.5 (MANE Select); coding-DNA position 1, A replaced by G.
Protein change: p.Met1Val; changes the start codon (methionine 1).
Molecular consequence: missense variant, initiator codon variant.
Genome position (GRCh38, 1-based): chrX:69,616,309, A>G. VCF-style: chrX-69616309-A-G. GRCh37 (hg19) VCF-style: chrX-68836153-A-G.
Other names: c.1A>G, p.Met1Val (NM_001005612.3, NM_001005613.4, NM_001005609.2 and 1 more transcripts); short protein forms M1V.
Identifiers: ClinVar variation 1070893 (VCV001070893.9), dbSNP rs2147196982, ClinGen allele CA413446827.